The following is an entry in ClinVar:

NM_004055.5(CAPN5):c.649C>T (p.Arg217Cys)

Gene: CAPN5 (calpain 5; plus strand). Cytogenetic location: 11q13.5.
Variant type: single nucleotide variant.
Coding change: c.649C>T on transcript NM_004055.5 (MANE Select); coding-DNA position 649, C replaced by T.
Protein change: p.Arg217Cys; replaces arginine 217 with cysteine.
Molecular consequence: missense variant.
Genome position (GRCh38, 1-based): chr11:77,114,384, C>T. VCF-style: chr11-77114384-C-T. GRCh37 (hg19) VCF-style: chr11-76825430-C-T.
Other names: c.649C>T (NM_004055.4); short protein forms R217C.
Identifiers: ClinVar variation 2095937 (VCV002095937.5), dbSNP rs1402261316, ClinGen allele CA381938230.

ClinVar aggregate classification (germline): Uncertain significance. Review status: criteria provided, multiple submitters, no conflicts (2 of 4 stars). 2 submissions from 2 submitters: Uncertain significance (2). Last evaluated 2025-10-05.

Conditions:
CAPN5-related disorder. Also called: CAPN5-related condition.

Allele frequency attached by ClinVar (database versions not stated): gnomAD 0.00001; TOPMed 0.00001.
gnomAD v4.1: 7 of 1,614,054 alleles (0.00043%); highest among the groups gnomAD compares: South Asian, 0.0011%; no homozygotes.

Submissions (2):

PreventionGenetics, part of Exact Sciences
Classification: Uncertain significance for CAPN5-related condition. Last evaluated: 2025-10-05. Review status: criteria provided, single submitter. Criteria: ACMG Guidelines, 2015. Collection method: clinical testing. Allele origin: germline.
Comment: The CAPN5 c.649C>T variant is predicted to result in the amino acid substitution p.Arg217Cys. To our knowledge, this variant has not been reported in the literature or in a large population database (gnomAD), indicating this variant is rare. At this time, the clinical significance of this variant is uncertain due to the absence of conclusive functional and genetic evidence.

Labcorp Genetics (formerly Invitae), Labcorp
Classification: Uncertain significance. Last evaluated: 2022-08-03. Review status: criteria provided, single submitter. Criteria: Invitae Variant Classification Sherloc (09022015). Collection method: clinical testing. Allele origin: germline.
Comment: In summary, the available evidence is currently insufficient to determine the role of this variant in disease. Therefore, it has been classified as a Variant of Uncertain Significance. Algorithms developed to predict the effect of missense changes on protein structure and function are either unavailable or do not agree on the potential impact of this missense change (SIFT: "Deleterious"; PolyPhen-2: "Probably Damaging"; Align-GVGD: "Class C0"). This variant has not been reported in the literature in individuals affected with CAPN5-related conditions. This variant is not present in population databases (gnomAD no frequency). This sequence change replaces arginine, which is basic and polar, with cysteine, which is neutral and slightly polar, at codon 217 of the CAPN5 protein (p.Arg217Cys).